The following is an entry in ClinVar:

NM_001447.3(FAT2):c.5691C>T (p.Ser1897=)

Genes: FAT2 (FAT atypical cadherin 2; minus strand), SLC36A1 (solute carrier family 36 member 1; plus strand). Cytogenetic location: 5q33.1.
Variant type: single nucleotide variant.
Coding change: c.5691C>T on transcript NM_001447.3 (MANE Select); coding-DNA position 5691, C replaced by T.
Protein change: p.Ser1897=; no amino-acid change (serine 1897 retained).
Molecular consequence: synonymous variant.
Genome position (GRCh38, 1-based): chr5:151,545,436, G>A on the plus strand (C>T on the coding strand, the complement: FAT2 is on the minus strand). VCF-style: chr5-151545436-G-A. GRCh37 (hg19) VCF-style: chr5-150924997-G-A.
Identifiers: ClinVar variation 1901103 (VCV001901103.29), dbSNP rs748581388, ClinGen allele CA129960587.

ClinVar aggregate classification (germline): Likely benign. Review status: criteria provided, multiple submitters, no conflicts (2 of 4 stars). 2 submissions from 2 submitters: Likely benign (2). Last evaluated 2024-05-02.

Allele frequency attached by ClinVar (database versions not stated): gnomAD 0.00001; gnomAD exomes 0.00001; TOPMed 0.00001.
gnomAD v4.1: 15 of 1,613,974 alleles (0.00093%); highest among the groups gnomAD compares: East Asian, 0.0045%; no homozygotes.

Submissions (2):

Labcorp Genetics (formerly Invitae), Labcorp
Classification: Likely benign. Last evaluated: 2024-05-02. Review status: criteria provided, single submitter. Criteria: Invitae Variant Classification Sherloc (09022015). Collection method: clinical testing. Allele origin: germline.

CeGaT Center for Human Genetics Tuebingen
Classification: Likely benign. Last evaluated: 2024-02-01. Review status: criteria provided, single submitter. Criteria: CeGaT Center For Human Genetics Tuebingen Variant Classification Criteria Version 2. Collection method: clinical testing. Allele origin: germline. Affected: yes. Observed: 1 variant allele.
Comment: FAT2: BP4, BP7